The following is an entry in ClinVar:

ClinVar aggregate classification (germline): Pathogenic/Likely pathogenic. Review status: criteria provided, multiple submitters, no conflicts (2 of 4 stars). 6 submissions from 6 submitters: Pathogenic (3); Likely pathogenic (2). 1 of the submissions does not count toward it. Last evaluated 2024-04-19.

Conditions:
XPA-related disorder. Also called: XPA-related condition.
Xeroderma pigmentosum (XP). Identifiers: Orphanet 910, MedGen C0043346, MONDO:0019600.
Xeroderma pigmentosum group A (XPA). Also called: XP, group A; Xeroderma pigmentosum, complementation group A; XPA-Related Xeroderma Pigmentosum. Identifiers: Orphanet 910, MedGen C0268135, MONDO:0010210, OMIM 278700.

Allele frequency attached by ClinVar (database versions not stated): gnomAD exomes 0.00001 and 0.00009; gnomAD 0.00002; TOPMed 0.00002.
gnomAD v4.1: 132 of 1,608,286 alleles (0.0082%); highest among the groups gnomAD compares: Non-Finnish European, 0.011%; no homozygotes.

Submissions (6):

Fulgent Genetics
Classification: Pathogenic for Xeroderma pigmentosum group A. Last evaluated: 2024-04-19. Review status: criteria provided, single submitter. Criteria: ACMG Guidelines, 2015. Collection method: clinical testing. Allele origin: germline.

Baylor Genetics
Classification: Pathogenic for Xeroderma pigmentosum group A. Last evaluated: 2024-03-12. Review status: criteria provided, single submitter. Criteria: ACMG Guidelines, 2015. Collection method: clinical testing. Allele origin: unknown.

Labcorp Genetics (formerly Invitae), Labcorp
Classification: Likely pathogenic. Last evaluated: 2023-10-26. Review status: criteria provided, single submitter. Criteria: Invitae Variant Classification Sherloc (09022015). Collection method: clinical testing. Allele origin: germline.
Comment: This sequence change affects codon 185 of the XPA mRNA. It is a 'silent' change, meaning that it does not change the encoded amino acid sequence of the XPA protein. This variant also falls at the last nucleotide of exon 4, which is part of the consensus splice site for this exon. This variant is present in population databases (rs746617574, gnomAD 0.003%). This variant has been observed in individual(s) with clinical features of XPA-related conditions (PMID: 1372103). ClinVar contains an entry for this variant (Variation ID: 550646). An algorithm developed to predict the effect of missense changes on protein structure and function (PolyPhen-2) suggests that this variant is likely to be disruptive. Experimental studies have shown that this variant affects XPA function (PMID: 24757057). Variants that disrupt the consensus splice site are a relatively common cause of aberrant splicing (PMID: 17576681, 9536098). Studies have shown that this variant is associated with altered splicing resulting in multiple RNA products (PMID: 1372103). In summary, the currently available evidence indicates that the variant is pathogenic, but additional data are needed to prove that conclusively. Therefore, this variant has been classified as Likely Pathogenic.

PreventionGenetics, part of Exact Sciences
Classification: Likely pathogenic for XPA-related condition. Last evaluated: 2023-06-13. Review status: criteria provided, single submitter. Criteria: ACMG Guidelines, 2015. Collection method: clinical testing. Allele origin: germline.
Comment: The XPA c.555G>C variant is predicted to result in the amino acid substitution p.Gln185His. This variant has been reported in the homozygous and compound heterozygous states in individuals with Xeroderma pigmentosum (Satokata et al. 1992. PubMed ID: 1372103; States et al. 1996. PubMed ID: 8765158). This variant is also at the last nucleotide of exon 4, which is part of the consensus splice site for this exon. Functional studies showed that this variant affects XPA function (Satokata et al. 1992. PubMed ID: 1372103; States et al. 1996. PubMed ID: 8765158; Nagel et al. 2014. PubMed ID: 24757057). This variant is reported in 0.0027% of alleles in individuals of European (Non-Finnish) descent in gnomAD. This variant is interpreted as likely pathogenic.

Women's Health and Genetics/Laboratory Corporation of America, LabCorp
Classification: Pathogenic for Xeroderma pigmentosum. Last evaluated: 2022-10-18. Review status: criteria provided, single submitter. Criteria: LabCorp Variant Classification Summary - May 2015. Collection method: clinical testing. Allele origin: germline.
Comment: Variant summary: XPA c.555G>C (p.Gln185His) results in a non-conservative amino acid change located in the C-terminal domain (IPR022656) of the encoded protein sequence. Four of five in-silico tools predict a damaging effect of the variant on protein function. This variant also affects the last nucleotide of exon 4, and therefore could affect splicing: one computational tool predicts a significant impact on normal splicing, indicating that the variant abolishes a canonical 5' splicing donor site. Publications have reported experimental evidence confirming that this variant indeed affects mRNA splicing (e.g. Satokata_1992, States_1996, Nagel_2014).The variant allele was found at a frequency of 1.2e-05 in 247850 control chromosomes, exclusively within the European (non-Finnish) subpopulation (i.e. 3/112734 alleles) in the gnomAD database. c.555G>C has been reported in the literature in multiple homozygous and compound heterozygous individuals affected with Xeroderma pigmentosum, who were all of Caucasian ancestry, and generally had milder skin symptoms and absent or delayed-onset neurological disease (e.g. Satokata_1992, States_1996, States_1998). These data indicate that the variant is very likely to be associated with disease. Several publications reported experimental evidence evaluating the variant, and demonstrated that almost no correctly spliced mRNA was detected, and some mRNAs with in-frame insertions or deletions were also generated that theoretically could produce functional proteins (e.g. Satokata_1992, States_1996, Nagel_2014). This was consistent with a somewhat preserved UV-resistance of a patient-derived cell line that was homozygous for the variant of interest, and might also explain the milder clinical phenotypes reported in patients (Satokata_1992). Two clinical diagnostic laboratories have submitted clinical-significance assessments for this variant to ClinVar after 2014. Both laboratories classified the variant as likely pathogenic. Based on the evidence outlined above, the variant was classified as pathogenic.

Counsyl
Classification: Likely pathogenic for Xeroderma pigmentosum group A. Last evaluated: 2017-02-07. Review status: no assertion criteria provided. Collection method: clinical testing. Allele origin: unknown. Not counted in ClinVar's aggregate classification.

Literature cited by the submitters: PubMed 1372103 (cited by 3 submitters); PubMed 24757057 (cited by Labcorp Genetics (formerly Invitae), Labcorp and Women's Health and Genetics/Laboratory Corporation of America, LabCorp); PubMed 17576681 (cited by Labcorp Genetics (formerly Invitae), Labcorp); PubMed 9536098 (cited by Labcorp Genetics (formerly Invitae), Labcorp); PubMed 9671271 (cited by Women's Health and Genetics/Laboratory Corporation of America, LabCorp and Counsyl); PubMed 8765158 (cited by Women's Health and Genetics/Laboratory Corporation of America, LabCorp); PubMed 31478152 (cited by Women's Health and Genetics/Laboratory Corporation of America, LabCorp); PubMed 25525159 (cited by Counsyl).

NM_000380.4(XPA):c.555G>C (p.Gln185His)

Gene: XPA (XPA, DNA damage recognition and repair factor; minus strand). Cytogenetic location: 9q22.33.
Variant type: single nucleotide variant.
Coding change: c.555G>C on transcript NM_000380.4 (MANE Select); coding-DNA position 555, G replaced by C.
Protein change: p.Gln185His; replaces glutamine 185 with histidine.
Molecular consequence: missense variant. On other transcripts: non-coding transcript variant (4).
Genome position (GRCh38, 1-based): chr9:97,687,096, C>G on the plus strand (G>C on the coding strand, the complement: XPA is on the minus strand). VCF-style: chr9-97687096-C-G. GRCh37 (hg19) VCF-style: chr9-100449378-C-G.
Other names: c.429G>C, p.Gln143His (NM_001354975.2); short protein forms Q185H, Q143H.
Identifiers: ClinVar variation 550646 (VCV000550646.13), dbSNP rs746617574, ClinGen allele CA196751062.